The following is an entry in ClinVar:

ClinVar aggregate classification (germline): Likely pathogenic (1 of 4 stars; one submission).

Conditions:
Fanconi anemia (FA). Also called: Fanconi's anemia. Identifiers: Orphanet 84, MedGen C0015625, MeSH D005199, MONDO:0019391.

Submission:

Natera, Inc.
Classification: Likely pathogenic for Fanconi anemia. Last evaluated: 2024-07-21. Review status: criteria provided, single submitter. Criteria: Natera Variant Classification Schema (03/2026). Collection method: clinical testing. Allele origin: germline.
Comment: The c.253_266del variant in FANCC is a frameshift variant predicted to shift the reading frame beginning at codon 85 and leads to a stop codon 10 codons downstream. This variant is expected to result in nonsense mediated decay, truncation, or a dysfunctional protein product. This variant is rare in the general population with a frequency below the threshold expected for the associated phenotype(s). Given the available evidence, this variant is classified as Likely Pathogenic.

NM_000136.3(FANCC):c.253_266del (p.Glu85fs)

Gene: FANCC (FA complementation group C; minus strand). Cytogenetic location: 9q22.32.
Variant type: Deletion.
Coding change: c.253_266del on transcript NM_000136.3 (MANE Select); coding-DNA positions 253 to 266, 14 bases deleted (GAAAGCCAAAAAAT).
Protein change: p.Glu85fs; shifts the reading frame from glutamic acid 85.
Molecular consequence: frameshift variant.
Genome position (GRCh38, 1-based): chr9:95,240,728-95,240,741, ATTTTTTGGCTTTC deleted on the plus strand (GAAAGCCAAAAAAT on the coding strand, the reverse complement: FANCC is on the minus strand); deleting any 14 consecutive bases within chr9:95,240,728-95,240,743 gives the same sequence; the c. name uses the placement nearest the transcript's 3' end. VCF-style (leftmost placement, unchanged base first): chr9-95240727-AATTTTTTGGCTTTC-A. GRCh37 (hg19) VCF-style: chr9-98003009-AATTTTTTGGCTTTC-A.
Other names: c.251_264delATGAAAGCCAAAAA, p.Glu85Serfs (NM_000136.2); c.253_266del, p.Glu85fs (NM_001243743.2, NM_001243744.2); short protein forms E85fs.
Identifiers: ClinVar variation 4817547 (VCV004817547.1).
Genomic context (GRCh38, chr9:95,240,727, plus strand): 5'-TTTTGATTGTCCAGAATTCTGTGGTTCTTTGTTAATTAGACAACATAAGCACCATATTAG[AATTTTTTGGCTTTC>A]ATCTACAAAAAGGAAAACTTAATAAGTTTTATCAAGCAGAAAAAATCATTAATATAAAAA-3'